The following is an entry in ClinVar:

NM_017777.4(MKS1):c.1095+1G>A

Gene: MKS1 (MKS transition zone complex subunit 1; minus strand). Cytogenetic location: 17q22.
Variant type: single nucleotide variant.
Coding change: c.1095+1G>A on transcript NM_017777.4 (MANE Select); the canonical splice donor site of the intron after coding-DNA position 1095, G replaced by A.
Molecular consequence: splice donor variant.
Genome position (GRCh38, 1-based): chr17:58,208,512, C>T on the plus strand (G>A on the coding strand, the complement: MKS1 is on the minus strand). VCF-style: chr17-58208512-C-T. GRCh37 (hg19) VCF-style: chr17-56285873-C-T.
Other names: c.486+1G>A (NM_001321268.2); c.1095+1G>A (NM_001330397.2, NM_001321269.2, NM_001411113.1).
Identifiers: ClinVar variation 1066586 (VCV001066586.10), dbSNP rs747740477, ClinGen allele CA8669289.

ClinVar aggregate classification (germline): Likely pathogenic. Review status: criteria provided, multiple submitters, no conflicts (2 of 4 stars). 3 submissions from 3 submitters: Likely pathogenic (3). Last evaluated 2024-03-08.

Conditions:
MKS1-related disorder. Also called: MKS1-related condition; MKS1-related disorders. Identifiers: MedGen CN239382.
Joubert syndrome. Also called: JOUBERT-BOLTSHAUSER SYNDROME; Familial aplasia of the vermis. Identifiers: Orphanet 475, MedGen C5979921, MONDO:0018772.
Meckel-Gruber syndrome. Also called: DYSENCEPHALIA SPLANCHNOCYSTICA; GRUBER SYNDROME; Dysencephalia splachnocystica. Identifiers: Orphanet 564, MedGen C0265215, MONDO:0018921.
Bardet-Biedl syndrome 13 (BBS13). Identifiers: Orphanet 110, MedGen C2673873, MONDO:0014441, OMIM 615990.

Allele frequency attached by ClinVar (database versions not stated): ExAC 0.00001; gnomAD exomes 0.00001.
gnomAD v4.1: 18 of 1,613,962 alleles (0.0011%); highest among the groups gnomAD compares: Non-Finnish European, 0.0014%; no homozygotes.

Submissions (3):

Baylor Genetics
Classification: Likely pathogenic for Bardet-Biedl syndrome 13. Last evaluated: 2024-03-08. Review status: criteria provided, single submitter. Criteria: ACMG Guidelines, 2015. Collection method: clinical testing. Allele origin: unknown.

Blueprint Genetics
Classification: Likely pathogenic for MKS1-related disorders. Last evaluated: 2021-08-06. Review status: criteria provided, single submitter. Criteria: ACMG Guidelines, 2015. Collection method: clinical testing. Allele origin: germline. Affected: yes. Observed: 1 variant allele.

Labcorp Genetics (formerly Invitae), Labcorp
Classification: Likely pathogenic for Joubert syndrome; Meckel-Gruber syndrome. Last evaluated: 2020-10-16. Review status: criteria provided, single submitter. Criteria: Invitae Variant Classification Sherloc (09022015). Collection method: clinical testing. Allele origin: germline.
Comment: This sequence change affects a donor splice site in intron 12 of the MKS1 gene. It is expected to disrupt RNA splicing and likely results in an absent or disrupted protein product. Algorithms developed to predict the effect of sequence changes on RNA splicing suggest that this variant may disrupt the consensus splice site, but this prediction has not been confirmed by published transcriptional studies. This variant has not been reported in the literature in individuals with MKS1-related conditions. The frequency data for this variant in the population databases is considered unreliable, as metrics indicate poor data quality at this position in the ExAC database. In summary, the currently available evidence indicates that the variant is pathogenic, but additional data are needed to prove that conclusively. Therefore, this variant has been classified as Likely Pathogenic. Donor and acceptor splice site variants typically lead to a loss of protein function (PMID: 16199547), and loss-of-function variants in MKS1 are known to be pathogenic (PMID: 19466712, 24886560, 26490104).

Literature cited by the submitters: PubMed 16199547 (cited by Labcorp Genetics (formerly Invitae), Labcorp); PubMed 19466712 (cited by Labcorp Genetics (formerly Invitae), Labcorp); PubMed 24886560 (cited by Labcorp Genetics (formerly Invitae), Labcorp); PubMed 26490104 (cited by Labcorp Genetics (formerly Invitae), Labcorp).